The following is an entry in ClinVar:

ClinVar aggregate classification (germline): Uncertain significance. Review status: criteria provided, multiple submitters, no conflicts (2 of 4 stars). 4 submissions from 4 submitters: Uncertain significance (4). Last evaluated 2023-08-28.

Conditions:
Microcephaly 5, primary, autosomal recessive (MCPH5). Also called: ASPM Primary Microcephaly. Identifiers: Orphanet 2512, MedGen C1837501, MONDO:0012106, OMIM 608716.
Inborn genetic diseases. Identifiers: MedGen C0950123, MeSH D030342.

Allele frequency attached by ClinVar (database versions not stated): gnomAD exomes below 0.00001.

Submissions (4):

Ambry Genetics
Classification: Uncertain significance for Inborn genetic diseases. Last evaluated: 2023-08-28. Review status: criteria provided, single submitter. Criteria: Ambry Variant Classification Scheme 2023. Collection method: clinical testing. Allele origin: germline.

Genome-Nilou Lab
Classification: Uncertain significance for Microcephaly 5, primary, autosomal recessive. Last evaluated: 2023-04-11. Review status: criteria provided, single submitter. Criteria: ACMG Guidelines, 2015. Collection method: clinical testing. Allele origin: germline. Affected: no.

Labcorp Genetics (formerly Invitae), Labcorp
Classification: Uncertain significance. Last evaluated: 2021-09-26. Review status: criteria provided, single submitter. Criteria: Invitae Variant Classification Sherloc (09022015). Collection method: clinical testing. Allele origin: germline.
Comment: In summary, the available evidence is currently insufficient to determine the role of this variant in disease. Therefore, it has been classified as a Variant of Uncertain Significance. Algorithms developed to predict the effect of missense changes on protein structure and function output the following: SIFT: "Tolerated"; PolyPhen-2: "Benign"; Align-GVGD: "Class C0". The isoleucine amino acid residue is found in multiple mammalian species, which suggests that this missense change does not adversely affect protein function. ClinVar contains an entry for this variant (Variation ID: 874053). This variant has not been reported in the literature in individuals affected with ASPM-related conditions. This variant is not present in population databases (ExAC no frequency). This sequence change replaces methionine with isoleucine at codon 1439 of the ASPM protein (p.Met1439Ile). The methionine residue is moderately conserved and there is a small physicochemical difference between methionine and isoleucine.

Illumina Laboratory Services, Illumina
Classification: Uncertain significance for Microcephaly 5, primary, autosomal recessive. Last evaluated: 2018-01-12. Review status: criteria provided, single submitter. Criteria: ICSL Variant Classification Criteria 13 December 2019. Collection method: clinical testing. Allele origin: germline.

NM_018136.5(ASPM):c.4317G>A (p.Met1439Ile)

Gene: ASPM (assembly factor for spindle microtubules; minus strand). Cytogenetic location: 1q31.3.
Variant type: single nucleotide variant.
Coding change: c.4317G>A on transcript NM_018136.5 (MANE Select); coding-DNA position 4317, G replaced by A.
Protein change: p.Met1439Ile; replaces methionine 1439 with isoleucine.
Molecular consequence: missense variant. On other transcripts: intron variant (1).
Genome position (GRCh38, 1-based): chr1:197,104,934, C>T on the plus strand (G>A on the coding strand, the complement: ASPM is on the minus strand). VCF-style: chr1-197104934-C-T. GRCh37 (hg19) VCF-style: chr1-197074064-C-T.
Other names: c.4066-8770G>A (NM_001206846.2); short protein forms M1439I.
Identifiers: ClinVar variation 874053 (VCV000874053.12), dbSNP rs1657362655, ClinGen allele CA344030963.